The following is an entry in ClinVar:

ClinVar aggregate classification (germline): Uncertain significance (1 of 4 stars; one submission).

Allele frequency attached by ClinVar (database versions not stated): gnomAD exomes below 0.00001; gnomAD 0.00001.
gnomAD v4.1: 5 of 1,205,622 alleles (0.00041%); highest among the groups gnomAD compares: African/African-American, 0.0053%; no homozygotes.

Submission:

Labcorp Genetics (formerly Invitae), Labcorp
Classification: Uncertain significance. Last evaluated: 2024-03-04. Review status: criteria provided, single submitter. Criteria: Invitae Variant Classification Sherloc (09022015). Collection method: clinical testing. Allele origin: germline.
Comment: This sequence change falls in intron 20 of the HUWE1 gene. It does not directly change the encoded amino acid sequence of the HUWE1 protein. It affects a nucleotide within the consensus splice site. This variant is not present in population databases (gnomAD no frequency). This variant has not been reported in the literature in individuals affected with HUWE1-related conditions. ClinVar contains an entry for this variant (Variation ID: 1912028). Variants that disrupt the consensus splice site are a relatively common cause of aberrant splicing (PMID: 17576681, 9536098). Algorithms developed to predict the effect of sequence changes on RNA splicing suggest that this variant is not likely to affect RNA splicing. In summary, the available evidence is currently insufficient to determine the role of this variant in disease. Therefore, it has been classified as a Variant of Uncertain Significance.

Literature cited by the submitters: PubMed 17576681; PubMed 9536098.

NM_031407.7(HUWE1):c.1780-3T>C

Gene: HUWE1 (HECT, UBA and WWE domain containing E3 ubiquitin protein ligase 1; minus strand). Cytogenetic location: Xp11.22.
Variant type: single nucleotide variant.
Coding change: c.1780-3T>C on transcript NM_031407.7 (MANE Select); 3 bases into the intron before coding-DNA position 1780, T replaced by C.
Molecular consequence: intron variant.
Genome position (GRCh38, 1-based): chrX:53,617,150, A>G on the plus strand (T>C on the coding strand, the complement: HUWE1 is on the minus strand). VCF-style: chrX-53617150-A-G. GRCh37 (hg19) VCF-style: chrX-53644111-A-G.
Identifiers: ClinVar variation 1912028 (VCV001912028.5), dbSNP rs782158941, ClinGen allele CA329188821.